The following is an entry in ClinVar:

NM_004329.3(BMPR1A):c.1292A>G (p.Tyr431Cys)

Gene: BMPR1A (bone morphogenetic protein receptor type 1A; plus strand). Cytogenetic location: 10q23.2.
Variant type: single nucleotide variant.
Coding change: c.1292A>G on transcript NM_004329.3 (MANE Select); coding-DNA position 1292, A replaced by G.
Protein change: p.Tyr431Cys; replaces tyrosine 431 with cysteine.
Molecular consequence: missense variant.
Genome position (GRCh38, 1-based): chr10:86,921,645, A>G. VCF-style: chr10-86921645-A-G. GRCh37 (hg19) VCF-style: chr10-88681402-A-G.
Other names: short protein forms Y431C.
Identifiers: ClinVar variation 486818 (VCV000486818.13), dbSNP rs1554891343, ClinGen allele CA377462263.
Genomic context (GRCh38, chr10:86,921,645, plus strand): 5'-AAGTGCTGGACGAAAGCCTGAACAAAAACCACTTCCAGCCCTACATCATGGCTGACATCT[A>G]CAGCTTCGGCCTAATCATTTGGGAGATGGCTCGTCGTTGTATCACAGGAGGTGGGAGTTT-3'
Protein context (NP_004320.2, residues 421-441): HFQPYIMADI[Tyr431Cys]SFGLIIWEMA

ClinVar aggregate classification (germline): Uncertain significance. Review status: criteria provided, multiple submitters, no conflicts (2 of 4 stars). 3 submissions from 3 submitters: Uncertain significance (3). Last evaluated 2026-03-27.

Conditions:
Juvenile polyposis syndrome (JPS). Identifiers: Orphanet 2929, MedGen C0345893, MONDO:0017380, OMIM 174900.
Hereditary cancer-predisposing syndrome. Also called: Tumor predisposition; Hereditary neoplastic syndrome; Neoplastic Syndromes, Hereditary; Hereditary Cancer Syndrome. Identifiers: Orphanet 140162, MedGen C0027672, MeSH D009386, MONDO:0015356.

Submissions (3):

Ambry Genetics
Classification: Uncertain significance for Hereditary cancer-predisposing syndrome. Last evaluated: 2026-03-27. Review status: criteria provided, single submitter. Criteria: Ambry Variant Classification Scheme 2023. Collection method: clinical testing. Allele origin: germline.
Comment: The p.Y431C variant (also known as c.1292A>G), located in coding exon 9 of the BMPR1A gene, results from an A to G substitution at nucleotide position 1292. The tyrosine at codon 431 is replaced by cysteine, an amino acid with highly dissimilar properties. This amino acid position is highly conserved in available vertebrate species. In addition, this alteration is predicted to be deleterious by in silico analysis. Based on the available evidence, the clinical significance of this variant remains unclear.

Quest Diagnostics Nichols Institute San Juan Capistrano
Classification: Uncertain significance. Last evaluated: 2024-10-08. Review status: criteria provided, single submitter. Criteria: Quest Diagnostics criteria. Collection method: clinical testing. Allele origin: unknown.
Comment: The BMPR1A c.1292A>G (p.Tyr431Cys) variant has not been reported in individuals with BMPR1A-related conditions in the published literature. It also has not been reported in large, multi-ethnic general populations (Genome Aggregation Database). Analysis of this variant using bioinformatics tools for the prediction of the effect of amino acid changes on protein structure and function yielded predictions that this variant is damaging. Based on the available information, we are unable to determine the clinical significance of this variant.

Labcorp Genetics (formerly Invitae), Labcorp
Classification: Uncertain significance for Juvenile polyposis syndrome. Last evaluated: 2023-10-25. Review status: criteria provided, single submitter. Criteria: Invitae Variant Classification Sherloc (09022015). Collection method: clinical testing. Allele origin: germline.
Comment: This sequence change replaces tyrosine, which is neutral and polar, with cysteine, which is neutral and slightly polar, at codon 431 of the BMPR1A protein (p.Tyr431Cys). This variant is not present in population databases (gnomAD no frequency). This variant has not been reported in the literature in individuals affected with BMPR1A-related conditions. ClinVar contains an entry for this variant (Variation ID: 486818). Advanced modeling of protein sequence and biophysical properties (such as structural, functional, and spatial information, amino acid conservation, physicochemical variation, residue mobility, and thermodynamic stability) has been performed at Invitae for this missense variant, however the output from this modeling did not meet the statistical confidence thresholds required to predict the impact of this variant on BMPR1A protein function. In summary, the available evidence is currently insufficient to determine the role of this variant in disease. Therefore, it has been classified as a Variant of Uncertain Significance.